The following is an entry in ClinVar:

NM_002691.4(POLD1):c.1573C>T (p.Arg525Trp)

Gene: POLD1 (DNA polymerase delta 1, catalytic subunit; plus strand). Cytogenetic location: 19q13.33.
Variant type: single nucleotide variant.
Coding change: c.1573C>T on transcript NM_002691.4 (MANE Select); coding-DNA position 1573, C replaced by T.
Protein change: p.Arg525Trp; replaces arginine 525 with tryptophan.
Molecular consequence: missense variant. On other transcripts: non-coding transcript variant (1).
Genome position (GRCh38, 1-based): chr19:50,407,061, C>T. VCF-style: chr19-50407061-C-T. GRCh37 (hg19) VCF-style: chr19-50910318-C-T.
Other names: c.1573C>T, p.Arg525Trp (NM_001256849.1, NM_001308632.1); short protein forms R525W.
Identifiers: ClinVar variation 469206 (VCV000469206.27), dbSNP rs201804732, ClinGen allele CA9596179.

ClinVar aggregate classification (germline): Uncertain significance. Review status: criteria provided, multiple submitters, no conflicts (2 of 4 stars). 5 submissions from 5 submitters: Uncertain significance (5). Last evaluated 2026-01-06.

Conditions:
Hereditary cancer-predisposing syndrome. Also called: Neoplastic Syndromes, Hereditary; Hereditary neoplastic syndrome; Tumor predisposition; Hereditary Cancer Syndrome. Identifiers: Orphanet 140162, MedGen C0027672, MeSH D009386, MONDO:0015356.
POLD1-related polyposis and colorectal cancer syndrome (CRCS10). Also called: Colorectal cancer 10; COLORECTAL CANCER, SUSCEPTIBILITY TO, ON CHROMOSOME 19q; Colorectal cancer, susceptibility to, 10. Identifiers: Orphanet 220460, MedGen C2675481, MONDO:0012953, OMIM 612591.

Allele frequency attached by ClinVar (database versions not stated): TOPMed below 0.00001; gnomAD 0.00001 and 0.00003; 1000 Genomes Project 0.00060; 1000 Genomes Project 30x 0.00062.
gnomAD v4.1: 17 of 1,613,752 alleles (0.0011%); highest among the groups gnomAD compares: African/African-American, 0.0053%; no homozygotes.

Submissions (5):

Labcorp Genetics (formerly Invitae), Labcorp
Classification: Uncertain significance for POLD1-related polyposis and colorectal cancer syndrome. Last evaluated: 2026-01-06. Review status: criteria provided, single submitter. Criteria: Invitae Variant Classification Sherloc (09022015). Collection method: clinical testing. Allele origin: germline.
Comment: This sequence change replaces arginine, which is basic and polar, with tryptophan, which is neutral and slightly polar, at codon 525 of the POLD1 protein (p.Arg525Trp). This variant is present in population databases (rs201804732, gnomAD 0.01%). This variant has not been reported in the literature in individuals affected with POLD1-related conditions. ClinVar contains an entry for this variant (Variation ID: 469206). Invitae Evidence Modeling of protein sequence and biophysical properties (such as structural, functional, and spatial information, amino acid conservation, physicochemical variation, residue mobility, and thermodynamic stability) indicates that this missense variant is not expected to disrupt POLD1 protein function with a negative predictive value of 80%. In summary, the available evidence is currently insufficient to determine the role of this variant in disease. Therefore, it has been classified as a Variant of Uncertain Significance.

Ambry Genetics
Classification: Uncertain significance for Hereditary cancer-predisposing syndrome. Last evaluated: 2025-06-22. Review status: criteria provided, single submitter. Criteria: Ambry Variant Classification Scheme 2023. Collection method: clinical testing. Allele origin: germline.

GeneDx
Classification: Uncertain significance. Last evaluated: 2025-03-04. Review status: criteria provided, single submitter. Criteria: GeneDx Variant Classification Process June 2021. Collection method: clinical testing. Allele origin: germline. Affected: yes.
Comment: Observed in an individual with a personal history of breast and colorectal cancer, who also harbored a pathogenic variant in ATM (PMID: 32792570); In silico analysis supports that this missense variant has a deleterious effect on protein structure/function; This variant is associated with the following publications: (PMID: 27913435, 35620275, 31422818, 20951805, 32792570)

Quest Diagnostics Nichols Institute San Juan Capistrano
Classification: Uncertain significance. Last evaluated: 2018-07-31. Review status: criteria provided, single submitter. Criteria: Quest Diagnostics criteria. Collection method: clinical testing. Allele origin: germline.

Laboratory for Molecular Medicine, Mass General Brigham Personalized Medicine
Classification: Uncertain significance. Last evaluated: 2017-02-27. Review status: criteria provided, single submitter. Criteria: LMM Criteria. Collection method: clinical testing. Allele origin: germline. Observed: 1 variant allele.
Comment: The p.Arg525Trp variant in POLD1 has not been previously reported in individuals with colorectal cancer, but has been identified in 3/10312 of African chromosom es by the Exome Aggregation Consortium (ExAC; db SNP rs201804732). Computational prediction tools and conservation analysis do no t provide strong support for or against an impact to the protein. In summary, th e clinical significance of the p.Arg525Trp variant is uncertain.